The following is an entry in ClinVar:

NM_001853.4(COL9A3):c.954+1G>T

Gene: COL9A3 (collagen type IX alpha 3 chain; plus strand). Cytogenetic location: 20q13.33.
Variant type: single nucleotide variant.
Coding change: c.954+1G>T on transcript NM_001853.4 (MANE Select); the canonical splice donor site of the intron after coding-DNA position 954, G replaced by T.
Molecular consequence: splice donor variant.
Genome position (GRCh38, 1-based): chr20:62,828,818, G>T. VCF-style: chr20-62828818-G-T. GRCh37 (hg19) VCF-style: chr20-61460170-G-T.
Identifiers: ClinVar variation 3640005 (VCV003640005.2).

ClinVar aggregate classification (germline): Uncertain significance (1 of 4 stars; one submission).

gnomAD v4.1: 6 of 1,613,016 alleles (0.00037%); highest among the groups gnomAD compares: East Asian, 0.0022%; no homozygotes.

Submission:

Labcorp Genetics (formerly Invitae), Labcorp
Classification: Uncertain significance. Last evaluated: 2024-09-23. Review status: criteria provided, single submitter. Criteria: Invitae Variant Classification Sherloc (09022015). Collection method: clinical testing. Allele origin: germline.
Comment: This sequence change affects a donor splice site in intron 18 of the COL9A3 gene. Variants that disrupt the donor or acceptor splice site typically lead to a loss of protein function (PMID:16199547), however it is unknown whether splice variants in this region will result in a loss of function. The frequency data for this variant in the population databases is considered unreliable, as metrics indicate poor data quality at this position in the gnomAD database. This variant has not been reported in the literature in individuals affected with COL9A3-related conditions. Algorithms developed to predict the effect of sequence changes on RNA splicing suggest that this variant may disrupt the consensus splice site. In summary, the available evidence is currently insufficient to determine the role of this variant in disease. Therefore, it has been classified as a Variant of Uncertain Significance.

Literature cited by the submitters: PubMed 16199547.